The following is an entry in ClinVar:

NM_000929.3(PLA2G5):c.155G>A (p.Gly52Asp)

Gene: PLA2G5 (phospholipase A2 group V; plus strand). Cytogenetic location: 1p36.13.
Variant type: single nucleotide variant.
Coding change: c.155G>A on transcript NM_000929.3 (MANE Select); coding-DNA position 155, G replaced by A.
Protein change: p.Gly52Asp; replaces glycine 52 with aspartic acid.
Molecular consequence: missense variant.
Genome position (GRCh38, 1-based): chr1:20,086,197, G>A. VCF-style: chr1-20086197-G-A. GRCh37 (hg19) VCF-style: chr1-20412690-G-A.
Other names: short protein forms G52D.
Identifiers: ClinVar variation 2115241 (VCV002115241.4), dbSNP rs2523541984, ClinGen allele CA338819868.

ClinVar aggregate classification (germline): Uncertain significance (1 of 4 stars; one submission).

gnomAD v4.1: 1 of 1,614,164 alleles (0.000062%); no homozygotes.

Submission:

Labcorp Genetics (formerly Invitae), Labcorp
Classification: Uncertain significance. Last evaluated: 2022-03-20. Review status: criteria provided, single submitter. Criteria: Invitae Variant Classification Sherloc (09022015). Collection method: clinical testing. Allele origin: germline.
Comment: This sequence change replaces glycine, which is neutral and non-polar, with aspartic acid, which is acidic and polar, at codon 52 of the PLA2G5 protein (p.Gly52Asp). This variant is not present in population databases (gnomAD no frequency). Algorithms developed to predict the effect of missense changes on protein structure and function (SIFT, PolyPhen-2, Align-GVGD) all suggest that this variant is likely to be disruptive. In summary, the available evidence is currently insufficient to determine the role of this variant in disease. Therefore, it has been classified as a Variant of Uncertain Significance. This variant has not been reported in the literature in individuals affected with PLA2G5-related conditions.